The following is an entry in ClinVar:

ClinVar aggregate classification (germline): Likely benign. Review status: criteria provided, multiple submitters, no conflicts (2 of 4 stars). 4 submissions from 4 submitters: Likely benign (4). Last evaluated 2025-03-16.

Conditions:
Cardiomyopathy (CMYO). Also called: Cardiomyopathies. Identifiers: Orphanet 167848, MedGen C0878544, MONDO:0004994, HP:0001638. Inheritance: Various modes of inheritance.
Cardiovascular phenotype. Identifiers: MedGen CN230736.
Hypertrophic cardiomyopathy. Also called: HYPERTROPHIC MYOCARDIOPATHY. Identifiers: Orphanet 217569, MedGen C0007194, MeSH D002312, MONDO:0005045, HP:0001639.

Allele frequency attached by ClinVar (database versions not stated): gnomAD exomes below 0.00001; gnomAD 0.00001; TOPMed 0.00002.
gnomAD v4.1: 6 of 1,604,144 alleles (0.00037%); highest among the groups gnomAD compares: African/African-American, 0.0027%; no homozygotes.

Submissions (4):

Labcorp Genetics (formerly Invitae), Labcorp
Classification: Likely benign for Hypertrophic cardiomyopathy. Last evaluated: 2025-03-16. Review status: criteria provided, single submitter. Criteria: Invitae Variant Classification Sherloc (09022015). Collection method: clinical testing. Allele origin: germline.

All of Us Research Program, National Institutes of Health
Classification: Likely benign for Cardiomyopathy. Last evaluated: 2023-12-13. Review status: criteria provided, single submitter. Criteria: ACMG Guidelines, 2015. Collection method: clinical testing. Allele origin: germline. Inheritance: Autosomal dominant inheritance. Observed: 2 variant alleles, 2 heterozygotes.
Comment: This study involves interpretation of variants in research participants for the purpose of population health screening. Participant phenotype was not available at the time of variant classification. Additional details can be found in publication PMID: 35346344, PMCID: PMC8962531

Ambry Genetics
Classification: Likely benign for Cardiovascular phenotype. Last evaluated: 2019-09-12. Review status: criteria provided, single submitter. Criteria: Ambry Variant Classification Scheme 2023. Collection method: clinical testing. Allele origin: germline.

Color Diagnostics, LLC DBA Color Health
Classification: Likely benign for Cardiomyopathy. Last evaluated: 2018-04-20. Review status: criteria provided, single submitter. Criteria: ACMG Guidelines, 2015. Collection method: clinical testing. Allele origin: germline.

NM_000257.4(MYH7):c.3591C>T (p.Ala1197=)

Gene: MYH7 (myosin heavy chain 7; minus strand). Cytogenetic location: 14q11.2.
Variant type: single nucleotide variant.
Coding change: c.3591C>T on transcript NM_000257.4 (MANE Select); coding-DNA position 3591, C replaced by T.
Protein change: p.Ala1197=; no amino-acid change (alanine 1197 retained).
Molecular consequence: synonymous variant.
Genome position (GRCh38, 1-based): chr14:23,419,980, G>A on the plus strand (C>T on the coding strand, the complement: MYH7 is on the minus strand). VCF-style: chr14-23419980-G-A. GRCh37 (hg19) VCF-style: chr14-23889189-G-A.
Identifiers: ClinVar variation 921435 (VCV000921435.9), dbSNP rs901079585, ClinGen allele CA257815584.